The following is an entry in ClinVar:

NM_000180.4(GUCY2D):c.3200C>A (p.Pro1067His)

Gene: GUCY2D (guanylate cyclase 2D, retinal; plus strand). Cytogenetic location: 17p13.1.
Variant type: single nucleotide variant.
Coding change: c.3200C>A on transcript NM_000180.4 (MANE Select); coding-DNA position 3200, C replaced by A.
Protein change: p.Pro1067His; replaces proline 1067 with histidine.
Molecular consequence: missense variant.
Genome position (GRCh38, 1-based): chr17:8,016,266, C>A. VCF-style: chr17-8016266-C-A. GRCh37 (hg19) VCF-style: chr17-7919584-C-A.
Other names: short protein forms P1067H.
Identifiers: ClinVar variation 2948227 (VCV002948227.3), dbSNP rs750301530, ClinGen allele CA397956088.

ClinVar aggregate classification (germline): Uncertain significance (1 of 4 stars; one submission).

Conditions:
Cone-rod dystrophy 6 (CORD6). Also called: Cone dystrophy progressive; RETINAL CONE DYSTROPHY 2. Identifiers: Orphanet 1872, MedGen C1866293, MONDO:0011143, OMIM 601777.
Leber congenital amaurosis 1 (LCA1). Also called: Congenital absence of the rods and cones; Leber's congenital tapetoretinal degeneration; Leber's congenital tapetoretinal dysplasia; AMAUROSIS CONGENITA OF LEBER I; RETINAL BLINDNESS, CONGENITAL. Identifiers: Orphanet 65, MedGen C2931258, MONDO:0008764, OMIM 204000.

gnomAD v4.1: 1 of 1,580,192 alleles (0.000063%); highest among the groups gnomAD compares: Non-Finnish European, 0.000086%; no homozygotes.

Submission:

Labcorp Genetics (formerly Invitae), Labcorp
Classification: Uncertain significance for Leber congenital amaurosis 1; Cone-rod dystrophy 6. Last evaluated: 2023-05-25. Review status: criteria provided, single submitter. Criteria: Invitae Variant Classification Sherloc (09022015). Collection method: clinical testing. Allele origin: germline.
Comment: In summary, the available evidence is currently insufficient to determine the role of this variant in disease. Therefore, it has been classified as a Variant of Uncertain Significance. Advanced modeling of protein sequence and biophysical properties (such as structural, functional, and spatial information, amino acid conservation, physicochemical variation, residue mobility, and thermodynamic stability) performed at Invitae indicates that this missense variant is expected to disrupt GUCY2D protein function. This variant has not been reported in the literature in individuals affected with GUCY2D-related conditions. This variant is not present in population databases (gnomAD no frequency). This sequence change replaces proline, which is neutral and non-polar, with histidine, which is basic and polar, at codon 1067 of the GUCY2D protein (p.Pro1067His).